The following is an entry in ClinVar:

ClinVar aggregate classification (germline): Uncertain significance. Review status: criteria provided, multiple submitters, no conflicts (2 of 4 stars). 4 submissions from 4 submitters: Uncertain significance (4). Last evaluated 2025-10-13.

Conditions:
ADULT syndrome. Also called: ACRO-DERMATO-UNGUAL-LACRIMAL-TOOTH SYNDROME; Acro-Dermo-Ungual-Lacrimal-Tooth Syndrome (ADULT Syndrome); Acro-dermato-ungual-lacrimal-tooth (adult) syndrome. Identifiers: Orphanet 978, MedGen C1863204, MONDO:0007072, OMIM 103285.
Orofacial cleft 8. Also called: Cleft lip with or without cleft palate, nonsyndromic, 8. Identifiers: MedGen C1851878, MONDO:0029145, OMIM 618149.
Ectrodactyly, ectodermal dysplasia, and cleft lip-palate syndrome 3. Also called: Ectrodactyly, Ectodermal Dysplasia, Clefting Syndrome; EEC SYNDROME 3; Ectrodactyly, Ectodermal Dysplasia, Clefting Syndrome Type 3 (EEC3); Ectrodactyly, Ectodermal Dysplasia, Cleft Lip/Palate Syndrome 3 (EEC3). Identifiers: Orphanet 1896, MedGen C1858562, MONDO:0011428, OMIM 604292.
Split hand-foot malformation 4. Also called: Split-Hand/Foot Malformation Type 4 (SHFM4 syndrome); Split-Hand/Foot Malformation Type 4 (SHFM4). Identifiers: Orphanet 2440, MedGen C1854442, MONDO:0011535, OMIM 605289.
Rapp-Hodgkin syndrome (RHS). Also called: Rapp-Hodgkin ectodermal dysplasia syndrome; Isolated Cleft Lip/Cleft Palate (Orofacial Cleft 8); ECTODERMAL DYSPLASIA, ANHIDROTIC, WITH CLEFT LIP/PALATE. Identifiers: MedGen C1785148, MONDO:0007508, OMIM 129400.
Limb-mammary syndrome (LMS). Also called: Mammary hypoplasia, ectrodactyly, and other hand/foot anomalies. Identifiers: Orphanet 69085, MedGen C1863753, MONDO:0011334, OMIM 603543.
Ankyloblepharon-ectodermal defects-cleft lip/palate syndrome. Also called: Ankyloblepharon-ectodermal defects, cleft lip/palate; AEC SYNDROME; Hay-Wells syndrome of ectodermal dysplasia; HAY-WELLS SYNDROME; Ankyloblepharon-Ectodermal Defects-Cleft Lip/Palate Syndrome (AEC Syndrome). Identifiers: Orphanet 1071, MedGen C0406709, MONDO:0007124, OMIM 106260.
TP63-Related Spectrum Disorders.
TP63-related disorder. Also called: TP63-related condition; TP63-Related Disorders. Identifiers: MedGen CN380159.
Premature ovarian failure 21 (POF21). Identifiers: MedGen C5830399, MONDO:0957216, OMIM 620311.

Allele frequency attached by ClinVar (database versions not stated): ExAC 0.00002; TOPMed 0.00002; gnomAD 0.00003; gnomAD exomes 0.00003 and 0.00004.
gnomAD v4.1: 46 of 1,613,956 alleles (0.0029%); highest among the groups gnomAD compares: South Asian, 0.0088%; no homozygotes.

Submissions (4):

PreventionGenetics, part of Exact Sciences
Classification: Uncertain significance for TP63-related condition. Last evaluated: 2025-10-13. Review status: criteria provided, single submitter. Criteria: ACMG Guidelines, 2015. Collection method: clinical testing. Allele origin: germline.
Comment: The TP63 c.1697C>T variant is predicted to result in the amino acid substitution p.Thr566Met. This variant has been reported in an individual with primary ovarian insufficiency (Table S7, Heddar et al. 2022. PubMed ID: 36099812). This variant is reported in 0.020% of alleles in individuals of South Asian descent in gnomAD. At this time, the clinical significance of this variant is uncertain due to the absence of conclusive functional and genetic evidence.

Labcorp Genetics (formerly Invitae), Labcorp
Classification: Uncertain significance. Last evaluated: 2024-12-30. Review status: criteria provided, single submitter. Criteria: Invitae Variant Classification Sherloc (09022015). Collection method: clinical testing. Allele origin: germline.
Comment: This sequence change replaces threonine, which is neutral and polar, with methionine, which is neutral and non-polar, at codon 566 of the TP63 protein (p.Thr566Met). This variant is present in population databases (rs745687224, gnomAD 0.02%). This missense change has been observed in individual(s) with primary ovarian insufficiency (PMID: 36099812). ClinVar contains an entry for this variant (Variation ID: 1042494). Invitae Evidence Modeling incorporating data from in vitro experimental studies (internal data) indicates that this missense variant is not expected to disrupt TP63 function with a negative predictive value of 80%. In summary, the available evidence is currently insufficient to determine the role of this variant in disease. Therefore, it has been classified as a Variant of Uncertain Significance.

Department of Pathology and Laboratory Medicine, Sinai Health System
Classification: Uncertain significance for ADULT syndrome; Ankyloblepharon-ectodermal defects-cleft lip/palate syndrome; Rapp-Hodgkin syndrome; Limb-mammary syndrome; Ectrodactyly, ectodermal dysplasia, and cleft lip-palate syndrome 3; Split hand-foot malformation 4; Premature ovarian failure 21. Last evaluated: 2023-03-02. Review status: criteria provided, single submitter. Criteria: ACMG Guidelines, 2015. Collection method: research. Allele origin: germline.

Fulgent Genetics
Classification: Uncertain significance for ADULT syndrome; Ankyloblepharon-ectodermal defects-cleft lip/palate syndrome; Rapp-Hodgkin syndrome; Limb-mammary syndrome; Ectrodactyly, ectodermal dysplasia, and cleft lip-palate syndrome 3; Split hand-foot malformation 4; Orofacial cleft 8. Last evaluated: 2022-03-03. Review status: criteria provided, single submitter. Criteria: ACMG Guidelines, 2015. Collection method: clinical testing. Allele origin: unknown.

Literature cited by the submitters: PubMed 36099812 (cited by Labcorp Genetics (formerly Invitae), Labcorp).

NM_003722.5(TP63):c.1697C>T (p.Thr566Met)

Gene: TP63 (tumor protein p63; plus strand). Cytogenetic location: 3q28.
Variant type: single nucleotide variant.
Coding change: c.1697C>T on transcript NM_003722.5 (MANE Select); coding-DNA position 1697, C replaced by T.
Protein change: p.Thr566Met; replaces threonine 566 with methionine.
Molecular consequence: missense variant. On other transcripts: intron variant (6).
Genome position (GRCh38, 1-based): chr3:189,890,833, C>T. VCF-style: chr3-189890833-C-T. GRCh37 (hg19) VCF-style: chr3-189608622-C-T.
Other names: c.1697C>T (NM_003722.4); c.1415C>T, p.Thr472Met (NM_001114980.2); c.1160C>T, p.Thr387Met (NM_001329146.2); c.1685C>T, p.Thr562Met (NM_001329148.2); c.1691C>T, p.Thr564Met (NM_001329964.2); c.1652+1349C>T (NM_001114978.2); c.1508-3373C>T (NM_001329144.2); c.1370+1349C>T (NM_001114981.2); and 3 more; short protein forms T564M, T472M, T387M, T562M, T566M.
Identifiers: ClinVar variation 1042494 (VCV001042494.7), dbSNP rs745687224, ClinGen allele CA2752555.